The following is an entry in ClinVar:

ClinVar aggregate classification (germline): Uncertain significance (1 of 4 stars; one submission).

Submission:

Ambry Genetics
Classification: Uncertain significance. Last evaluated: 2024-12-15. Review status: criteria provided, single submitter. Criteria: Ambry Variant Classification Scheme 2023. Collection method: clinical testing. Allele origin: germline.
Comment: The p.D212E variant (also known as c.636C>A), located in coding exon 1 of the EGLN1 gene, results from a C to A substitution at nucleotide position 636. The aspartic acid at codon 212 is replaced by glutamic acid, an amino acid with highly similar properties. This amino acid position is conserved. In addition, this alteration is predicted to be tolerated by in silico analysis. Based on the available evidence, the clinical significance of this variant remains unclear.

NM_022051.3(EGLN1):c.636C>A (p.Asp212Glu)

Gene: EGLN1 (egl-9 family hypoxia inducible factor 1; minus strand). Cytogenetic location: 1q42.2.
Variant type: single nucleotide variant.
Coding change: c.636C>A on transcript NM_022051.3 (MANE Select); coding-DNA position 636, C replaced by A.
Protein change: p.Asp212Glu; replaces aspartic acid 212 with glutamic acid.
Molecular consequence: missense variant.
Genome position (GRCh38, 1-based): chr1:231,421,253, G>T on the plus strand (C>A on the coding strand, the complement: EGLN1 is on the minus strand). VCF-style: chr1-231421253-G-T. GRCh37 (hg19) VCF-style: chr1-231556999-G-T.
Other names: c.636C>A, p.Asp212Glu (NM_001377260.1, NM_001377261.1); short protein forms D212E.
Identifiers: ClinVar variation 3843875 (VCV003843875.1).